The following is an entry in ClinVar:

NM_005956.4(MTHFD1):c.880T>G (p.Phe294Val)

Gene: MTHFD1 (methylenetetrahydrofolate dehydrogenase, cyclohydrolase and formyltetrahydrofolate synthetase 1; plus strand). Cytogenetic location: 14q23.3.
Variant type: single nucleotide variant.
Coding change: c.880T>G on transcript NM_005956.4 (MANE Select); coding-DNA position 880, T replaced by G.
Protein change: p.Phe294Val; replaces phenylalanine 294 with valine.
Molecular consequence: missense variant.
Genome position (GRCh38, 1-based): chr14:64,425,754, T>G. VCF-style: chr14-64425754-T-G. GRCh37 (hg19) VCF-style: chr14-64892472-T-G.
Other names: c.880T>G, p.Phe294Val (NM_001364837.1); short protein forms F294V.
Identifiers: ClinVar variation 3606649 (VCV003606649.1).

ClinVar aggregate classification (germline): Uncertain significance (1 of 4 stars; one submission).

gnomAD v4.1: 1 of 1,613,150 alleles (0.000062%); highest among the groups gnomAD compares: Non-Finnish European, 0.000085%; no homozygotes.

Submission:

Labcorp Genetics (formerly Invitae), Labcorp
Classification: Uncertain significance. Last evaluated: 2024-10-16. Review status: criteria provided, single submitter. Criteria: Invitae Variant Classification Sherloc (09022015). Collection method: clinical testing. Allele origin: germline.
Comment: This sequence change replaces phenylalanine, which is neutral and non-polar, with valine, which is neutral and non-polar, at codon 294 of the MTHFD1 protein (p.Phe294Val). This variant is present in population databases (rs774277434, gnomAD 0.0009%). This variant has not been reported in the literature in individuals affected with MTHFD1-related conditions. Invitae Evidence Modeling of protein sequence and biophysical properties (such as structural, functional, and spatial information, amino acid conservation, physicochemical variation, residue mobility, and thermodynamic stability) indicates that this missense variant is not expected to disrupt MTHFD1 protein function with a negative predictive value of 80%. In summary, the available evidence is currently insufficient to determine the role of this variant in disease. Therefore, it has been classified as a Variant of Uncertain Significance.